The following is an entry in ClinVar:

NM_005259.3(MSTN):c.748-3C>T

Genes: AKAP19 (A-kinase anchoring protein 19; plus strand), MSTN (myostatin; minus strand). Cytogenetic location: 2q32.2.
Variant type: single nucleotide variant.
Coding change: c.748-3C>T on transcript NM_005259.3 (MANE Select); 3 bases into the intron before coding-DNA position 748, C replaced by T.
Molecular consequence: intron variant.
Genome position (GRCh38, 1-based): chr2:190,057,641, G>A on the plus strand (C>T on the coding strand, the complement: MSTN is on the minus strand). VCF-style: chr2-190057641-G-A. GRCh37 (hg19) VCF-style: chr2-190922367-G-A.
Other names: NC_000002.11:g.190922367G>A; c.748-3C>T (LRG_200t1).
Identifiers: ClinVar variation 333235 (VCV000333235.6), dbSNP rs374256136, ClinGen allele CA2027055.

ClinVar aggregate classification (germline): Likely benign (1 of 4 stars; one submission).

Conditions:
Myostatin-related muscle hypertrophy (MSLHP). Also called: MUSCLE HYPERTROPHY. Identifiers: Orphanet 275534, MedGen C2931112, MONDO:0013598, OMIM 614160.

Allele frequency attached by ClinVar (database versions not stated): gnomAD exomes 0.00007 and 0.00015; ExAC 0.00008; TOPMed 0.00008; gnomAD 0.00009; ESP Exome Variant Server 0.00023.
gnomAD v4.1: 225 of 1,612,816 alleles (0.014%); highest among the groups gnomAD compares: Non-Finnish European, 0.018%; no homozygotes.

Submissions (2):

Illumina Laboratory Services, Illumina
Classification: Likely benign for Myostatin-related muscle hypertrophy. Last evaluated: 2018-01-13. Review status: criteria provided, single submitter. Criteria: ICSL Variant Classification Criteria 13 December 2019. Collection method: clinical testing. Allele origin: germline.
Comment: This variant was observed in the ICSL laboratory as part of a predisposition screen in an ostensibly healthy population. It had not been previously curated by ICSL or reported in the Human Gene Mutation Database (HGMD: prior to June 1st, 2018), and was therefore a candidate for classification through an automated scoring system. Utilizing variant allele frequency, disease prevalence and penetrance estimates, and inheritance mode, an automated score was calculated to assess if this variant is too frequent to cause the disease. Based on the score and internal cut-off values, a variant classified as likely benign is not then subjected to further curation. The score for this variant resulted in a classification of likely benign for this disease.

Dr. Peter K. Rogan Lab, Western University
No classification provided (evidence only). Condition: Uterine carcinosarcoma. Review status: no classification provided. Collection method: in vitro. Allele origin: not applicable. Functional consequence: retained intron. Not counted in ClinVar's aggregate classification.